The following is an entry in ClinVar:

NM_000264.5(PTCH1):c.2465T>C (p.Leu822Pro)

Genes: PTCH1 (patched 1; minus strand), LOC100507346 (uncharacterized LOC100507346; plus strand). Cytogenetic location: 9q22.32.
Variant type: single nucleotide variant.
Coding change: c.2465T>C on transcript NM_000264.5 (MANE Select); coding-DNA position 2465, T replaced by C.
Protein change: p.Leu822Pro; replaces leucine 822 with proline.
Molecular consequence: missense variant. On other transcripts: non-coding transcript variant (2).
Genome position (GRCh38, 1-based): chr9:95,467,211, A>G on the plus strand (T>C on the coding strand, the complement: PTCH1 is on the minus strand). VCF-style: chr9-95467211-A-G. GRCh37 (hg19) VCF-style: chr9-98229493-A-G.
Other names: c.2267T>C, p.Leu756Pro (NM_001083602.3); c.2462T>C, p.Leu821Pro (NM_001083603.3); c.2012T>C, p.Leu671Pro (NM_001083604.3, NM_001083605.3, NM_001083606.3 and 1 more transcripts); c.2309T>C, p.Leu770Pro (NM_001354918.2); short protein forms L756P, L671P, L821P, L770P, L822P.
Identifiers: ClinVar variation 1791681 (VCV001791681.2), dbSNP rs2117955781, ClinGen allele CA374114063.
Genomic context (GRCh38, chr9:95,467,211, plus strand): 5'-TTGGGAAGCTGTTTGTTTTCTTCCAACATGACATACTTCACGTTACTGAAACTCCTGTGT[A>G]GGTCGTAAAGTAAGTGCTGGATATTCGGGTAGTCTGCTTTCTGGGTGACTATATACATGT-3'
Protein context (NP_000255.2, residues 812-832): YPNIQHLLYD[Leu822Pro]HRSFSNVKYV

ClinVar aggregate classification (germline): Likely pathogenic (1 of 4 stars; one submission).

Conditions:
Hereditary cancer-predisposing syndrome. Also called: Hereditary Cancer Syndrome; Hereditary neoplastic syndrome; Tumor predisposition; Neoplastic Syndromes, Hereditary. Identifiers: Orphanet 140162, MedGen C0027672, MeSH D009386, MONDO:0015356.

Submission:

Ambry Genetics
Classification: Likely pathogenic for Hereditary cancer-predisposing syndrome. Last evaluated: 2017-05-11. Review status: criteria provided, single submitter. Criteria: Ambry Variant Classification Scheme 2023. Collection method: clinical testing. Allele origin: germline.
Comment: The p.L822P variant (also known as c.2465T>C), located in coding exon 15 of the PTCH1 gene, results from a T to C substitution at nucleotide position 2465. The leucine at codon 822 is replaced by proline, an amino acid with very few similar properties. This alteration has been reported in two individuals in a French family diagnosed with Gorlin syndrome (Boutet N et al. J. Invest. Dermatol. 2003 Sep;121:478-81).This amino acid position is highly conserved in available vertebrate species. In addition, this alteration is predicted to be deleterious by in silico analysis. Based on the majority of available evidence to date, this variant is likely to be pathogenic.

Literature cited by the submitters: PubMed 12925203.